The following is an entry in ClinVar:

ClinVar aggregate classification (germline): Uncertain significance (1 of 4 stars; one submission).

gnomAD v4.1: 3 of 1,606,930 alleles (0.00019%); highest among the groups gnomAD compares: Non-Finnish European, 0.00026%; no homozygotes.

Submission:

Labcorp Genetics (formerly Invitae), Labcorp
Classification: Uncertain significance. Last evaluated: 2021-12-10. Review status: criteria provided, single submitter. Criteria: Invitae Variant Classification Sherloc (09022015). Collection method: clinical testing. Allele origin: germline.
Comment: In summary, the available evidence is currently insufficient to determine the role of this variant in disease. Therefore, it has been classified as a Variant of Uncertain Significance. Algorithms developed to predict the effect of missense changes on protein structure and function are either unavailable or do not agree on the potential impact of this missense change (SIFT: "Deleterious"; PolyPhen-2: "Probably Damaging"; Align-GVGD: "Class C0"). This variant has not been reported in the literature in individuals affected with IGF2-related conditions. This variant is present in population databases (no rsID available, gnomAD 0.0009%). This sequence change replaces arginine, which is basic and polar, with glycine, which is neutral and non-polar, at codon 138 of the IGF2 protein (p.Arg138Gly).

NM_000612.6(IGF2):c.412C>G (p.Arg138Gly)

Genes: IGF2 (insulin like growth factor 2; minus strand), INS-IGF2 (INS-IGF2 readthrough; minus strand). Cytogenetic location: 11p15.5.
Variant type: single nucleotide variant.
Coding change: c.412C>G on transcript NM_000612.6 (MANE Select); coding-DNA position 412, C replaced by G.
Protein change: p.Arg138Gly; replaces arginine 138 with glycine.
Molecular consequence: missense variant. On other transcripts: non-coding transcript variant (1).
Genome position (GRCh38, 1-based): chr11:2,133,118, G>C on the plus strand (C>G on the coding strand, the complement: IGF2 is on the minus strand). VCF-style: chr11-2133118-G-C. GRCh37 (hg19) VCF-style: chr11-2154348-G-C.
Other names: c.412C>G, p.Arg138Gly (NM_001007139.6, NM_001291861.3, NM_001291862.3); c.580C>G, p.Arg194Gly (NM_001127598.3); short protein forms R138G, R194G.
Identifiers: ClinVar variation 2414050 (VCV002414050.6), dbSNP rs371682005, ClinGen allele CA216246237.